The following is an entry in ClinVar:

NM_182961.4(SYNE1):c.18137C>T (p.Thr6046Met)

Gene: SYNE1 (spectrin repeat containing nuclear envelope protein 1; minus strand). Cytogenetic location: 6q25.2.
Variant type: single nucleotide variant.
Coding change: c.18137C>T on transcript NM_182961.4 (MANE Select); coding-DNA position 18137, C replaced by T.
Protein change: p.Thr6046Met; replaces threonine 6046 with methionine.
Molecular consequence: missense variant.
Genome position (GRCh38, 1-based): chr6:152,284,048, G>A on the plus strand (C>T on the coding strand, the complement: SYNE1 is on the minus strand). VCF-style: chr6-152284048-G-A. GRCh37 (hg19) VCF-style: chr6-152605183-G-A.
Other names: c.17924C>T, p.Thr5975Met (NM_033071.5); short protein forms T5975M, T6046M.
Identifiers: ClinVar variation 1010887 (VCV001010887.8), dbSNP rs372219741, ClinGen allele CA4055048.

ClinVar aggregate classification (germline): Uncertain significance (1 of 4 stars; one submission).

Conditions:
Autosomal recessive ataxia, Beauce type. Also called: ATAXIA, RECESSIVE, OF BEAUCE; Spinocerebellar ataxia, autosomal recessive 8; SYNE1-Related Autosomal Recessive Cerebellar Ataxia; SYNE1 Deficiency. Identifiers: Orphanet 88644, MedGen C1853116, MONDO:0012549, OMIM 610743.
Emery-Dreifuss muscular dystrophy 4, autosomal dominant (EDMD4). Also called: EMERY-DREIFUSS MUSCULAR DYSTROPHY 4 WITH VARIABLE FEATURES. Identifiers: Orphanet 261, MedGen C2751807, MONDO:0013071, OMIM 612998.

Allele frequency attached by ClinVar (database versions not stated): gnomAD 0.00001; gnomAD exomes 0.00002; ExAC 0.00003; ESP Exome Variant Server 0.00008; TOPMed below 0.00001.
gnomAD v4.1: 26 of 1,614,114 alleles (0.0016%); highest among the groups gnomAD compares: East Asian, 0.013%; no homozygotes.

Submission:

Labcorp Genetics (formerly Invitae), Labcorp
Classification: Uncertain significance for Emery-Dreifuss muscular dystrophy 4, autosomal dominant; Autosomal recessive ataxia, Beauce type. Last evaluated: 2025-10-02. Review status: criteria provided, single submitter. Criteria: Invitae Variant Classification Sherloc (09022015). Collection method: clinical testing. Allele origin: germline.
Comment: This sequence change replaces threonine, which is neutral and polar, with methionine, which is neutral and non-polar, at codon 5975 of the SYNE1 protein (p.Thr5975Met). This variant is present in population databases (rs372219741, gnomAD 0.005%). This missense change has been observed in individual(s) with SYNE1-related conditions (PMID: 36964972). ClinVar contains an entry for this variant (Variation ID: 1010887). An algorithm developed to predict the effect of missense changes on protein structure and function (PolyPhen-2) suggests that this variant is likely to be disruptive. In summary, the available evidence is currently insufficient to determine the role of this variant in disease. Therefore, it has been classified as a Variant of Uncertain Significance.

Literature cited by the submitters: PubMed 36964972.